The following is an entry in ClinVar:

ClinVar aggregate classification (germline): Likely benign (1 of 4 stars; one submission).

Allele frequency attached by ClinVar (database versions not stated): TOPMed 0.00004.

Submission:

GeneDx
Classification: Likely benign. Last evaluated: 2016-02-12. Review status: criteria provided, single submitter. Criteria: GeneDx Variant Classification (06012015). Collection method: clinical testing. Allele origin: germline. Affected: yes.
Comment: This variant is considered likely benign or benign based on one or more of the following criteria: it is a conservative change, it occurs at a poorly conserved position in the protein, it is predicted to be benign by multiple in silico algorithms, and/or has population frequency not consistent with disease.

NC_000016.10:g.30053202C>T

Genes: ALDOA (aldolase, fructose-bisphosphate A; plus strand), LOC112694756 (uncharaterized LOC112694756; plus strand). Cytogenetic location: 16p11.2.
Variant type: single nucleotide variant.
Molecular consequence: 5 prime UTR variant (on NM_001365304.2).
Genome position: GRCh38 VCF-style: chr16-30053202-C-T. GRCh37 (hg19) VCF-style: chr16-30064523-C-T.
Other names: c.-46C>T (NM_001365304.2); c.-292C>T (NM_001365305.2, NM_001365307.2).
Identifiers: ClinVar variation 382582 (VCV000382582.1), dbSNP rs1057521393, ClinGen allele CA16608175.